The following is an entry in ClinVar:

ClinVar aggregate classification (germline): Pathogenic (1 of 4 stars; one submission).

Submission:

Labcorp Genetics (formerly Invitae), Labcorp
Classification: Pathogenic. Last evaluated: 2023-02-18. Review status: criteria provided, single submitter. Criteria: Invitae Variant Classification Sherloc (09022015). Collection method: clinical testing. Allele origin: germline.
Comment: For these reasons, this variant has been classified as Pathogenic. This variant has not been reported in the literature in individuals affected with TG-related conditions. This variant is present in population databases (no rsID available, gnomAD 0.003%). This sequence change creates a premature translational stop signal (p.Pro2686Leufs*25) in the TG gene. It is expected to result in an absent or disrupted protein product. Loss-of-function variants in TG are known to be pathogenic (PMID: 19837936, 23164529).

Literature cited by the submitters: PubMed 19837936; PubMed 23164529.

NM_003235.5(TG):c.8057del (p.Pro2686fs)

Gene: TG (thyroglobulin; plus strand). Cytogenetic location: 8q24.22.
Variant type: Deletion.
Coding change: c.8057del on transcript NM_003235.5 (MANE Select); coding-DNA position 8057, one base deleted (C; older notation c.8057delC).
Protein change: p.Pro2686fs; shifts the reading frame from proline 2686.
Molecular consequence: frameshift variant.
Genome position (GRCh38, 1-based): chr8:133,133,529, C deleted; the last of 2 consecutive C bases (chr8:133,133,528-133,133,529); deleting either gives the same sequence. VCF-style (leftmost placement, unchanged base first): chr8-133133527-GC-G. GRCh37 (hg19) VCF-style: chr8-134145771-GC-G.
Other names: short protein forms P2686fs.
Identifiers: ClinVar variation 2833253 (VCV002833253.3), dbSNP rs1448908452, ClinGen allele CA585277894.